The following is an entry in ClinVar:

ClinVar aggregate classification (germline): Uncertain significance. Review status: criteria provided, multiple submitters, no conflicts (2 of 4 stars). 2 submissions from 2 submitters: Uncertain significance (2). Last evaluated 2025-02-10.

Allele frequency attached by ClinVar (database versions not stated): TOPMed 0.00001; gnomAD 0.00002.
gnomAD v4.1: 17 of 1,602,104 alleles (0.0011%); highest among the groups gnomAD compares: African/African-American, 0.0067%; no homozygotes.

Submissions (2):

Labcorp Genetics (formerly Invitae), Labcorp
Classification: Uncertain significance. Last evaluated: 2025-02-10. Review status: criteria provided, single submitter. Criteria: Invitae Variant Classification Sherloc (09022015). Collection method: clinical testing. Allele origin: germline.
Comment: This sequence change replaces glycine, which is neutral and non-polar, with serine, which is neutral and polar, at codon 997 of the EFL1 protein (p.Gly997Ser). This variant also falls at the last nucleotide of exon 18, which is part of the consensus splice site for this exon. This variant is present in population databases (rs765604542, gnomAD 0.01%). This missense change has been observed in individual(s) with clinical features of Shwachman-Diamond syndrome (internal data). ClinVar contains an entry for this variant (Variation ID: 1503378). An algorithm developed to predict the effect of missense changes on protein structure and function (PolyPhen-2) suggests that this variant is likely to be disruptive. Variants that disrupt the consensus splice site are a relatively common cause of aberrant splicing (PMID: 17576681, 9536098). Algorithms developed to predict the effect of sequence changes on RNA splicing suggest that this variant may disrupt the consensus splice site. In summary, the available evidence is currently insufficient to determine the role of this variant in disease. Therefore, it has been classified as a Variant of Uncertain Significance.

Blueprint Genetics
Classification: Uncertain significance. Last evaluated: 2021-08-27. Review status: criteria provided, single submitter. Criteria: ACMG Guidelines, 2015. Collection method: clinical testing. Allele origin: germline.

Literature cited by the submitters: PubMed 17576681 (cited by Labcorp Genetics (formerly Invitae), Labcorp); PubMed 9536098 (cited by Labcorp Genetics (formerly Invitae), Labcorp).

NM_024580.6(EFL1):c.2989G>A (p.Gly997Ser)

Gene: EFL1 (elongation factor like GTPase 1; minus strand). Cytogenetic location: 15q25.2.
Variant type: single nucleotide variant.
Coding change: c.2989G>A on transcript NM_024580.6 (MANE Select); coding-DNA position 2989, G replaced by A.
Protein change: p.Gly997Ser; replaces glycine 997 with serine.
Molecular consequence: missense variant. On other transcripts: non-coding transcript variant (1).
Genome position (GRCh38, 1-based): chr15:82,151,465, C>T on the plus strand (G>A on the coding strand, the complement: EFL1 is on the minus strand). VCF-style: chr15-82151465-C-T. GRCh37 (hg19) VCF-style: chr15-82443806-C-T.
Other names: c.2836G>A, p.Gly946Ser (NM_001040610.3); c.2200G>A, p.Gly734Ser (NM_001322844.2); c.2989G>A, p.Gly997Ser (NM_001322845.2); short protein forms G946S, G734S, G997S.
Identifiers: ClinVar variation 1503378 (VCV001503378.7), dbSNP rs765604542, ClinGen allele CA7697660.